The following is an entry in ClinVar:

NM_000138.5(FBN1):c.1661A>C (p.His554Pro)

Gene: FBN1 (fibrillin 1; minus strand). Cytogenetic location: 15q21.1.
Variant type: single nucleotide variant.
Coding change: c.1661A>C on transcript NM_000138.5 (MANE Select); coding-DNA position 1661, A replaced by C.
Protein change: p.His554Pro; replaces histidine 554 with proline.
Molecular consequence: missense variant.
Genome position (GRCh38, 1-based): chr15:48,510,097, T>G on the plus strand (A>C on the coding strand, the complement: FBN1 is on the minus strand). VCF-style: chr15-48510097-T-G. GRCh37 (hg19) VCF-style: chr15-48802294-T-G.
Other names: c.1661A>C, p.His554Pro (NM_001406716.1); short protein forms H554P.
Identifiers: ClinVar variation 2952613 (VCV002952613.3), dbSNP rs2505606130, ClinGen allele CA392341090.

ClinVar aggregate classification (germline): Likely pathogenic (1 of 4 stars; one submission).

Conditions:
Marfan syndrome (MFS). Also called: MARFAN SYNDROME, TYPE I; Marfan syndrome type 1; Marfan's syndrome; Marfan syndrome, classic; FBN1-Related Marfan Syndrome. Identifiers: Orphanet 284963, Orphanet 558, MedGen C0024796, MONDO:0007947, OMIM 154700.
Familial thoracic aortic aneurysm and aortic dissection (TAAD). Also called: Thoracic aortic aneurysms and dissections. Identifiers: Orphanet 91387, MedGen C4707243, MONDO:0019625.

Submission:

Labcorp Genetics (formerly Invitae), Labcorp
Classification: Likely pathogenic for Marfan syndrome; Familial thoracic aortic aneurysm and aortic dissection. Last evaluated: 2025-05-21. Review status: criteria provided, single submitter. Criteria: Invitae Variant Classification Sherloc (09022015). Collection method: clinical testing. Allele origin: germline.
Comment: This sequence change replaces histidine, which is basic and polar, with proline, which is neutral and non-polar, at codon 554 of the FBN1 protein (p.His554Pro). This variant is not present in population databases (gnomAD no frequency). This missense change has been observed in individual(s) with FBN1-related conditions and/or Marfan syndrome (PMID: 36517271; internal data). ClinVar contains an entry for this variant (Variation ID: 2952613). Invitae Evidence Modeling of protein sequence and biophysical properties (such as structural, functional, and spatial information, amino acid conservation, physicochemical variation, residue mobility, and thermodynamic stability) indicates that this missense variant is expected to disrupt FBN1 protein function with a positive predictive value of 95%. In summary, the currently available evidence indicates that the variant is pathogenic, but additional data are needed to prove that conclusively. Therefore, this variant has been classified as Likely Pathogenic.

Literature cited by the submitters: PubMed 36517271.